The following is an entry in ClinVar:

ClinVar aggregate classification (germline): Uncertain significance (1 of 4 stars; one submission).

Conditions:
Charcot-Marie-Tooth disease type 2. Also called: Charcot-Marie-Tooth type 2. Identifiers: Orphanet 64746, MedGen C0270914, MONDO:0018993.

Submission:

Labcorp Genetics (formerly Invitae), Labcorp
Classification: Uncertain significance for Charcot-Marie-Tooth disease type 2. Last evaluated: 2020-11-19. Review status: criteria provided, single submitter. Criteria: Invitae Variant Classification Sherloc (09022015). Collection method: clinical testing. Allele origin: germline.
Comment: In summary, the available evidence is currently insufficient to determine the role of this variant in disease. Therefore, it has been classified as a Variant of Uncertain Significance. Algorithms developed to predict the effect of missense changes on protein structure and function (SIFT, PolyPhen-2, Align-GVGD) all suggest that this variant is likely to be tolerated, but these predictions have not been confirmed by published functional studies and their clinical significance is uncertain. This variant has not been reported in the literature in individuals with BSCL2-related conditions. This variant is not present in population databases (ExAC no frequency). This sequence change replaces glycine with alanine at codon 260 of the BSCL2 protein (p.Gly260Ala). The glycine residue is moderately conserved and there is a small physicochemical difference between glycine and alanine.

NM_001122955.4(BSCL2):c.971G>C (p.Gly324Ala)

Genes: BSCL2 (BSCL2 lipid droplet biogenesis associated, seipin; minus strand), HNRNPUL2-BSCL2 (HNRNPUL2-BSCL2 readthrough (NMD candidate); minus strand). Cytogenetic location: 11q12.3.
Variant type: single nucleotide variant.
Coding change: c.971G>C on transcript NM_001122955.4 (MANE Select); coding-DNA position 971, G replaced by C.
Protein change: p.Gly324Ala; replaces glycine 324 with alanine.
Molecular consequence: missense variant. On other transcripts: non-coding transcript variant (1), intron variant (1).
Genome position (GRCh38, 1-based): chr11:62,691,314, C>G on the plus strand (G>C on the coding strand, the complement: BSCL2 is on the minus strand). VCF-style: chr11-62691314-C-G. GRCh37 (hg19) VCF-style: chr11-62458786-C-G.
Other names: c.971G>C, p.Gly324Ala (NM_001386027.1, NM_001386028.1); c.779G>C, p.Gly260Ala (NM_032667.6); c.672-173G>C (NM_001130702.2); short protein forms G260A, G324A.
Identifiers: ClinVar variation 1391263 (VCV001391263.8), dbSNP rs1945304059, ClinGen allele CA380959347.